The following is an entry in ClinVar:

NM_006231.4(POLE):c.3278C>G (p.Ala1093Gly)

Gene: POLE (DNA polymerase epsilon, catalytic subunit; minus strand). Cytogenetic location: 12q24.33.
Variant type: single nucleotide variant.
Coding change: c.3278C>G on transcript NM_006231.4 (MANE Select); coding-DNA position 3278, C replaced by G.
Protein change: p.Ala1093Gly; replaces alanine 1093 with glycine.
Molecular consequence: missense variant.
Genome position (GRCh38, 1-based): chr12:132,657,968, G>C on the plus strand (C>G on the coding strand, the complement: POLE is on the minus strand). VCF-style: chr12-132657968-G-C. GRCh37 (hg19) VCF-style: chr12-133234554-G-C.
Other names: c.3278C>G (NM_006231.2); short protein forms A1093G.
Identifiers: ClinVar variation 572180 (VCV000572180.12), dbSNP rs1565954149, ClinGen allele CA387389897.
Genomic context (GRCh38, chr12:132,657,968, plus strand): 5'-CATTTCCGGAGAAAGTGCTTCCTCACCGTGGGCTCTGCTTGGAAAATGGCAAGTGGGATG[G>C]CCCTGGGTAAGGAAGACAGGCACACAGCTCAGTAACAGTGAAAATCACCCAAAATCTGAT-3'
Protein context (NP_006222.2, residues 1083-1103): KPEGSPVTER[Ala1093Gly]IPLAIFQAEP

ClinVar aggregate classification (germline): Uncertain significance. Review status: criteria provided, multiple submitters, no conflicts (2 of 4 stars). 2 submissions from 2 submitters: Uncertain significance (2). Last evaluated 2024-11-16.

Conditions:
Hereditary cancer-predisposing syndrome. Also called: Hereditary neoplastic syndrome; Tumor predisposition; Neoplastic Syndromes, Hereditary; Hereditary Cancer Syndrome. Identifiers: Orphanet 140162, MedGen C0027672, MeSH D009386, MONDO:0015356.

Submissions (2):

Labcorp Genetics (formerly Invitae), Labcorp
Classification: Uncertain significance. Last evaluated: 2024-11-16. Review status: criteria provided, single submitter. Criteria: Invitae Variant Classification Sherloc (09022015). Collection method: clinical testing. Allele origin: germline.
Comment: This sequence change replaces alanine, which is neutral and non-polar, with glycine, which is neutral and non-polar, at codon 1093 of the POLE protein (p.Ala1093Gly). This variant is not present in population databases (gnomAD no frequency). This variant has not been reported in the literature in individuals affected with POLE-related conditions. ClinVar contains an entry for this variant (Variation ID: 572180). An algorithm developed to predict the effect of missense changes on protein structure and function (PolyPhen-2) suggests that this variant is likely to be disruptive. In summary, the available evidence is currently insufficient to determine the role of this variant in disease. Therefore, it has been classified as a Variant of Uncertain Significance.

Ambry Genetics
Classification: Uncertain significance for Hereditary cancer-predisposing syndrome. Last evaluated: 2023-08-30. Review status: criteria provided, single submitter. Criteria: Ambry Variant Classification Scheme 2023. Collection method: clinical testing. Allele origin: germline.
Comment: The p.A1093G variant (also known as c.3278C>G), located in coding exon 27 of the POLE gene, results from a C to G substitution at nucleotide position 3278. The alanine at codon 1093 is replaced by glycine, an amino acid with similar properties. This amino acid position is conserved. In addition, the in silico prediction for this alteration is inconclusive. Since supporting evidence is limited at this time, the clinical significance of this alteration remains unclear.